The following is an entry in ClinVar:

NM_017635.5(KMT5B):c.2037A>G (p.Thr679=)

Gene: KMT5B (lysine methyltransferase 5B; minus strand). Cytogenetic location: 11q13.2.
Variant type: single nucleotide variant.
Coding change: c.2037A>G on transcript NM_017635.5 (MANE Select); coding-DNA position 2037, A replaced by G.
Protein change: p.Thr679=; no amino-acid change (threonine 679 retained).
Molecular consequence: synonymous variant.
Genome position (GRCh38, 1-based): chr11:68,158,309, T>C on the plus strand (A>G on the coding strand, the complement: KMT5B is on the minus strand). VCF-style: chr11-68158309-T-C. GRCh37 (hg19) VCF-style: chr11-67925776-T-C.
Other names: c.1521A>G, p.Thr507= (NM_001300907.1, NM_001369428.1, NM_001369429.1 and 4 more transcripts); c.1317A>G, p.Thr439= (NM_001300908.2); c.2037A>G, p.Thr679= (NM_001369426.1).
Identifiers: ClinVar variation 771446 (VCV000771446.7), dbSNP rs36089209, ClinGen allele CA6148063.
Genomic context (GRCh38, chr11:68,158,309, plus strand): 5'-TCGCCTCTTCTTTTTACTTTTTGCAGTTCTAAAGCTGTCTTTTGTTTTGAAGCTATCTGA[T>C]GTCACAACTGAACAACCGACGGGTGAAGGAGCACAGTCTGTGTAGCTCACAGGCACGCCC-3'
Protein context (NP_060105.3, residues 669-689): APSPVGCSVV[Thr679=]SDSFKTKDSF

ClinVar aggregate classification (germline): Benign. Review status: criteria provided, multiple submitters, no conflicts (2 of 4 stars). 3 submissions from 3 submitters: Benign (2). 1 of the submissions does not count toward it. Last evaluated 2019-12-31.

Conditions:
KMT5B-related disorder. Also called: KMT5B-related condition.

Allele frequency attached by ClinVar (database versions not stated): gnomAD exomes 0.00561; ExAC 0.00696; gnomAD 0.02024 and 0.02162; TOPMed 0.02364; ESP Exome Variant Server 0.02464; 1000 Genomes Project 0.02796; 1000 Genomes Project 30x 0.03076.
gnomAD v4.1: 6,730 of 1,614,162 alleles (0.42%); highest among the groups gnomAD compares: African/African-American, 7.3%; 222 homozygotes.

Submissions (3):

Labcorp Genetics (formerly Invitae), Labcorp
Classification: Benign. Last evaluated: 2019-12-31. Review status: criteria provided, single submitter. Criteria: Invitae Variant Classification Sherloc (09022015). Collection method: clinical testing. Allele origin: germline.

Breakthrough Genomics
Classification: Benign. Review status: criteria provided, single submitter. Criteria: ACMG Guidelines, 2015. Collection method: not provided. Allele origin: germline. Inheritance: Autosomal dominant inheritance. Affected: yes.

PreventionGenetics, part of Exact Sciences
Classification: Benign for KMT5B-related condition. Last evaluated: 2020-11-10. Review status: no assertion criteria provided. Collection method: clinical testing. Allele origin: germline. Not counted in ClinVar's aggregate classification.
Comment: This variant is classified as benign based on ACMG/AMP sequence variant interpretation guidelines (Richards et al. 2015 PMID: 25741868, with internal and published modifications).